The following is an entry in ClinVar:

NM_001846.4(COL4A2):c.1645G>C (p.Asp549His)

Genes: COL4A2-AS2 (COL4A2 antisense RNA 2; minus strand), COL4A2 (collagen type IV alpha 2 chain; plus strand). Cytogenetic location: 13q34.
Variant type: single nucleotide variant.
Coding change: c.1645G>C on transcript NM_001846.4 (MANE Select); coding-DNA position 1645, G replaced by C.
Protein change: p.Asp549His; replaces aspartic acid 549 with histidine.
Molecular consequence: missense variant.
Genome position (GRCh38, 1-based): chr13:110,462,162, G>C. VCF-style: chr13-110462162-G-C. GRCh37 (hg19) VCF-style: chr13-111114509-G-C.
Other names: short protein forms D549H.
Identifiers: ClinVar variation 5040392 (VCV005040392.1).
Genomic context (GRCh38, chr13:110,462,162, plus strand): 5'-TGTTTTCCACAGGGAGTGCCTGGCAACATTGGTGCTCCCGGACCCAAAGGAGCAAAAGGA[G>C]ATTCCAGAACAATCACAACCAAAGGTGAGTTCCTCTCTGGCCACGCGGCCCCTGGGGCAC-3'
Protein context (NP_001837.2, residues 539-559): GAPGPKGAKG[Asp549His]SRTITTKGER

ClinVar aggregate classification (germline): Uncertain significance (1 of 4 stars; one submission).

Submission:

CeGaT Center for Human Genetics Tuebingen
Classification: Uncertain significance. Last evaluated: 2026-07-01. Review status: criteria provided, single submitter. Criteria: CeGaT Center For Human Genetics Tuebingen Variant Classification Criteria Version 2. Collection method: clinical testing. Allele origin: germline. Affected: yes. Observed: 1 variant allele.
Comment: COL4A2: PM2